The following is an entry in ClinVar:

ClinVar aggregate classification (germline): Uncertain significance (1 of 4 stars; one submission).

Submission:

GeneDx
Classification: Uncertain significance. Last evaluated: 2022-09-23. Review status: criteria provided, single submitter. Criteria: GeneDx Variant Classification Process June 2021. Collection method: clinical testing. Allele origin: germline. Affected: yes.
Comment: Not observed at significant frequency in large population cohorts (gnomAD); In silico analysis supports that this missense variant has a deleterious effect on protein structure/function; Has not been previously published as pathogenic or benign to our knowledge

NM_001282531.3(ADNP):c.731A>G (p.His244Arg)

Gene: ADNP (activity dependent neuroprotector homeobox; minus strand). Cytogenetic location: 20q13.13.
Variant type: single nucleotide variant.
Coding change: c.731A>G on transcript NM_001282531.3 (MANE Select); coding-DNA position 731, A replaced by G.
Protein change: p.His244Arg; replaces histidine 244 with arginine.
Molecular consequence: missense variant.
Genome position (GRCh38, 1-based): chr20:50,893,983, T>C on the plus strand (A>G on the coding strand, the complement: ADNP is on the minus strand). VCF-style: chr20-50893983-T-C. GRCh37 (hg19) VCF-style: chr20-49510520-T-C.
Other names: c.731A>G, p.His244Arg (NM_001282532.2, NM_001347511.2, NM_015339.5 and 1 more transcripts); short protein forms H244R.
Identifiers: ClinVar variation 2446284 (VCV002446284.1), dbSNP rs2515589871, ClinGen allele CA408976358.
Genomic context (GRCh38, chr20:50,893,983, plus strand): 5'-CGGGGAACCACTACATTTGTGTGCCCAATCATGGCAGTGACCTGATAGCCTATACGTTCA[T>C]GGTCTTCGATGACATGCTGTACCAAAGCTTCATAGGACTTTGGCATGAAAAGGCATCGCT-3'
Protein context (NP_001269460.1, residues 234-254): EALVQHVIED[His244Arg]ERIGYQVTAM